The following is an entry in ClinVar:

NM_001127208.3(TET2):c.2288C>T (p.Pro763Leu)

Genes: TET2 (tet methylcytosine dioxygenase 2; plus strand), TET2-AS1 (TET2 antisense RNA 1; minus strand). Cytogenetic location: 4q24.
Variant type: single nucleotide variant.
Coding change: c.2288C>T on transcript NM_001127208.3 (MANE Select); coding-DNA position 2288, C replaced by T.
Protein change: p.Pro763Leu; replaces proline 763 with leucine.
Molecular consequence: missense variant.
Genome position (GRCh38, 1-based): chr4:105,236,230, C>T. VCF-style: chr4-105236230-C-T. GRCh37 (hg19) VCF-style: chr4-106157387-C-T.
Other names: c.2288C>T, p.Pro763Leu (NM_017628.4); short protein forms P763L.
Identifiers: ClinVar variation 4183054 (VCV004183054.1).

ClinVar aggregate classification (germline): Uncertain significance (1 of 4 stars; one submission).

Submission:

Ambry Genetics
Classification: Uncertain significance. Last evaluated: 2025-09-01. Review status: criteria provided, single submitter. Criteria: Ambry Variant Classification Scheme 2023. Collection method: clinical testing. Allele origin: germline.
Comment: The p.P763L variant (also known as c.2288C>T), located in coding exon 1 of the TET2 gene, results from a C to T substitution at nucleotide position 2288. The proline at codon 763 is replaced by leucine, an amino acid with similar properties. This amino acid position is conserved. In addition, this alteration is predicted to be tolerated by in silico analysis. Based on the available evidence, the clinical significance of this variant remains unclear.